The following is an entry in ClinVar:

ClinVar aggregate classification (germline): Pathogenic (1 of 4 stars; one submission).

Conditions:
Tooth agenesis, selective, 2. Also called: STHAG2; HYPODONTIA/OLIGODONTIA 2. Identifiers: MedGen C1865092, MONDO:0011265, OMIM 602639.

Submission:

Stomatology Center, Xiangya Hospital, Central South University
Classification: Pathogenic for Tooth agenesis, selective, 2. Review status: criteria provided, single submitter. Criteria: ACMG Guidelines, 2015. Collection method: research. Allele origin: maternal. Inheritance: X-linked recessive inheritance. Affected: yes. Observed: 2 hemizygotes.
Comment: We used whole exome sequencing to compare tooth loss gene loci between two brothers with hypophidrotic ectodermal dysplasia (HED), analyze the difference of tooth loss phenotype, and explore its mechanism. The elder brothers have a more severe tooth loss phenotype than younger brothers. It has been reported that edac.878 mutation causes HED (PMID: 30526585).

Literature cited by the submitters: PubMed 30526585.

NM_001399.5(EDA):c.878T>G (p.Leu293Arg)

Gene: EDA (ectodysplasin A; plus strand). Cytogenetic location: Xq13.1.
Variant type: single nucleotide variant.
Coding change: c.878T>G on transcript NM_001399.5 (MANE Select); coding-DNA position 878, T replaced by G.
Protein change: p.Leu293Arg; replaces leucine 293 with arginine.
Molecular consequence: missense variant.
Genome position (GRCh38, 1-based): chrX:70,033,482, T>G. VCF-style: chrX-70033482-T-G. GRCh37 (hg19) VCF-style: chrX-69253332-T-G.
Other names: c.878T>G, p.Leu293Arg (NM_001005609.2); c.869T>G, p.Leu290Arg (NM_001005612.3); short protein forms L290R, L293R.
Identifiers: ClinVar variation 2504639 (VCV002504639.3), dbSNP rs2520343370, ClinGen allele CA413448938.